The following is an entry in ClinVar:

ClinVar aggregate classification (germline): Uncertain significance (1 of 4 stars; one submission).

Submission:

GeneDx
Classification: Uncertain significance. Last evaluated: 2025-04-24. Review status: criteria provided, single submitter. Criteria: GeneDx Variant Classification Process June 2021. Collection method: clinical testing. Allele origin: germline. Affected: yes.
Comment: Not observed at significant frequency in large population cohorts (gnomAD); In silico analysis indicates that this missense variant does not alter protein structure/function; Has not been previously published as pathogenic or benign to our knowledge

NM_001039591.3(USP9X):c.4841G>A (p.Arg1614Lys)

Gene: USP9X (ubiquitin specific peptidase 9 X-linked; plus strand). Cytogenetic location: Xp11.4.
Variant type: single nucleotide variant.
Coding change: c.4841G>A on transcript NM_001039591.3 (MANE Select); coding-DNA position 4841, G replaced by A.
Protein change: p.Arg1614Lys; replaces arginine 1614 with lysine.
Molecular consequence: missense variant.
Genome position (GRCh38, 1-based): chrX:41,205,319, G>A. VCF-style: chrX-41205319-G-A. GRCh37 (hg19) VCF-style: chrX-41064572-G-A.
Other names: c.4841G>A, p.Arg1614Lys (NM_001039590.3); short protein forms R1614K.
Identifiers: ClinVar variation 1307174 (VCV001307174.3), dbSNP rs2147212932, ClinGen allele CA412780910.